The following is an entry in ClinVar:

ClinVar aggregate classification (germline): Uncertain significance (1 of 4 stars; one submission).

Conditions:
Hereditary cancer-predisposing syndrome. Also called: Neoplastic Syndromes, Hereditary; Tumor predisposition; Hereditary neoplastic syndrome; Hereditary Cancer Syndrome. Identifiers: Orphanet 140162, MedGen C0027672, MeSH D009386, MONDO:0015356.

Submission:

Ambry Genetics
Classification: Uncertain significance for Hereditary cancer-predisposing syndrome. Last evaluated: 2023-11-30. Review status: criteria provided, single submitter. Criteria: Ambry Variant Classification Scheme 2023. Collection method: clinical testing. Allele origin: germline.
Comment: The p.G62A variant (also known as c.185G>C), located in coding exon 2 of the TSC2 gene, results from a G to C substitution at nucleotide position 185. The glycine at codon 62 is replaced by alanine, an amino acid with similar properties. This amino acid position is conserved. In addition, the in silico prediction for this alteration is inconclusive. Since supporting evidence is limited at this time, the clinical significance of this alteration remains unclear.

NM_000548.5(TSC2):c.185G>C (p.Gly62Ala)

Gene: TSC2 (TSC complex subunit 2; plus strand). Cytogenetic location: 16p13.3.
Variant type: single nucleotide variant.
Coding change: c.185G>C on transcript NM_000548.5 (MANE Select); coding-DNA position 185, G replaced by C.
Protein change: p.Gly62Ala; replaces glycine 62 with alanine.
Molecular consequence: missense variant. On other transcripts: 5 prime UTR variant (20), non-coding transcript variant (5).
Genome position (GRCh38, 1-based): chr16:2,050,446, G>C. VCF-style: chr16-2050446-G-C. GRCh37 (hg19) VCF-style: chr16-2100447-G-C.
Other names: c.185G>C, p.Gly62Ala (NM_001077183.3, NM_001114382.3, NM_001318827.2 and 13 more transcripts); c.38G>C, p.Gly13Ala (NM_001318829.2, NM_001406675.1, NM_001406676.1 and 2 more transcripts); c.-42G>C (NM_001318831.2, NM_001406682.1, NM_001406684.1 and 3 more transcripts); c.218G>C, p.Gly73Ala (NM_001318832.2); c.-632G>C (NM_001406680.1, NM_001406683.1, NM_001406687.1); c.-261G>C (NM_001406681.1); c.-1247G>C (NM_001406689.1, NM_001406690.1, NM_001406691.1 and 2 more transcripts); c.-1553G>C (NM_001406693.1); and 3 more; short protein forms G13A, G62A, G73A.
Identifiers: ClinVar variation 3232092 (VCV003232092.1), dbSNP rs397515045, ClinGen allele CA394303398.